The following is an entry in ClinVar:

ClinVar aggregate classification (germline): Likely benign (0 of 4 stars; one submission).

Conditions:
GRIA1-related disorder. Also called: GRIA1-related condition.

Allele frequency attached by ClinVar (database versions not stated): TOPMed 0.00017; gnomAD exomes 0.00014; 1000 Genomes Project 0.00220; ExAC 0.00045; 1000 Genomes Project 30x 0.00187; gnomAD 0.00021.
gnomAD v4.1: 258 of 1,613,892 alleles (0.016%); highest among the groups gnomAD compares: East Asian, 0.51%; no homozygotes.

Submissions (2):

PreventionGenetics, part of Exact Sciences
Classification: Likely benign for GRIA1-related condition. Last evaluated: 2019-09-10. Review status: no assertion criteria provided. Collection method: clinical testing. Allele origin: germline.
Comment: This variant is classified as likely benign based on ACMG/AMP sequence variant interpretation guidelines (Richards et al. 2015 PMID: 25741868, with internal and published modifications).

Dr. Peter K. Rogan Lab, Western University
No classification provided (evidence only). Condition: Hepatocellular carcinoma. Review status: no classification provided. Collection method: in vitro. Allele origin: not applicable. Functional consequence: retained intron. Not counted in ClinVar's aggregate classification.

NM_000827.4(GRIA1):c.240A>G (p.Lys80=)

Gene: GRIA1 (glutamate ionotropic receptor AMPA type subunit 1; plus strand). Cytogenetic location: 5q33.2.
Variant type: single nucleotide variant.
Coding change: c.240A>G on transcript NM_000827.4 (MANE Select); coding-DNA position 240, A replaced by G.
Protein change: p.Lys80=; no amino-acid change (lysine 80 retained).
Molecular consequence: synonymous variant. On other transcripts: 5 prime UTR variant (1), non-coding transcript variant (2), intron variant (1).
Genome position (GRCh38, 1-based): chr5:153,646,947, A>G. VCF-style: chr5-153646947-A-G. GRCh37 (hg19) VCF-style: chr5-153026507-A-G.
Other names: NC_000005.9:g.153026507A>G; c.240A>G, p.Lys80= (NM_001114183.2, NM_001364165.2); c.-46A>G (NM_001258020.2); c.270A>G, p.Lys90= (NM_001258021.2, NM_001258022.2); c.33A>G, p.Lys11= (NM_001258023.1, NM_001364167.2); c.267A>G, p.Lys89= (NM_001364166.2); c.221-3383A>G (NM_001258019.2).
Identifiers: ClinVar variation 3039828 (VCV003039828.3), dbSNP rs139047509, ClinGen allele CA3524267.